The following is an entry in ClinVar:

NM_001271838.2(RSRC1):c.498A>C (p.Glu166Asp)

Gene: RSRC1 (arginine and serine rich coiled-coil 1; plus strand). Cytogenetic location: 3q25.32.
Variant type: single nucleotide variant.
Coding change: c.498A>C on transcript NM_001271838.2 (MANE Select); coding-DNA position 498, A replaced by C.
Protein change: p.Glu166Asp; replaces glutamic acid 166 with aspartic acid.
Molecular consequence: missense variant.
Genome position (GRCh38, 1-based): chr3:158,298,042, A>C. VCF-style: chr3-158298042-A-C. GRCh37 (hg19) VCF-style: chr3-158015831-A-C.
Other names: c.324A>C, p.Glu108Asp (NM_001271834.2); c.498A>C, p.Glu166Asp (NM_016625.4); short protein forms E108D, E166D.
Identifiers: ClinVar variation 3774096 (VCV003774096.1).

ClinVar aggregate classification (germline): Uncertain significance (1 of 4 stars; one submission).

gnomAD v4.1: 5 of 1,602,330 alleles (0.00031%); highest among the groups gnomAD compares: African/African-American, 0.0013%; no homozygotes.

Submission:

GeneDx
Classification: Uncertain significance. Last evaluated: 2024-09-20. Review status: criteria provided, single submitter. Criteria: GeneDx Variant Classification Process June 2021. Collection method: clinical testing. Allele origin: germline. Affected: yes.
Comment: In silico analysis indicates that this missense variant does not alter protein structure/function; Has not been previously published as pathogenic or benign to our knowledge